The following is an entry in ClinVar:

ClinVar aggregate classification (germline): Uncertain significance. Review status: criteria provided, multiple submitters, no conflicts (2 of 4 stars). 2 submissions from 2 submitters: Uncertain significance (2). Last evaluated 2025-05-14.

Conditions:
Inborn genetic diseases. Identifiers: MedGen C0950123, MeSH D030342.

Allele frequency attached by ClinVar (database versions not stated): gnomAD exomes 0.00007 and 0.00016; gnomAD 0.00007; TOPMed 0.00006.
gnomAD v4.1: 120 of 1,612,758 alleles (0.0074%); highest among the groups gnomAD compares: Non-Finnish European, 0.0094%; no homozygotes.

Submissions (2):

Ambry Genetics
Classification: Uncertain significance for Inborn genetic diseases. Last evaluated: 2025-05-14. Review status: criteria provided, single submitter. Criteria: Ambry Variant Classification Scheme 2023. Collection method: clinical testing. Allele origin: germline.

Labcorp Genetics (formerly Invitae), Labcorp
Classification: Uncertain significance. Last evaluated: 2022-04-07. Review status: criteria provided, single submitter. Criteria: Invitae Variant Classification Sherloc (09022015). Collection method: clinical testing. Allele origin: germline.
Comment: This sequence change replaces isoleucine, which is neutral and non-polar, with threonine, which is neutral and polar, at codon 1317 of the PCLO protein (p.Ile1317Thr). This variant is present in population databases (rs753519135, gnomAD 0.03%). This variant has not been reported in the literature in individuals affected with PCLO-related conditions. Algorithms developed to predict the effect of missense changes on protein structure and function output the following: SIFT: "Tolerated"; PolyPhen-2: "Not Available"; Align-GVGD: "Class C0". The threonine amino acid residue is found in multiple mammalian species, which suggests that this missense change does not adversely affect protein function. In summary, the available evidence is currently insufficient to determine the role of this variant in disease. Therefore, it has been classified as a Variant of Uncertain Significance.

NM_033026.6(PCLO):c.3950T>C (p.Ile1317Thr)

Gene: PCLO (piccolo presynaptic cytomatrix protein; minus strand). Cytogenetic location: 7q21.11.
Variant type: single nucleotide variant.
Coding change: c.3950T>C on transcript NM_033026.6 (MANE Select); coding-DNA position 3950, T replaced by C.
Protein change: p.Ile1317Thr; replaces isoleucine 1317 with threonine.
Molecular consequence: missense variant.
Genome position (GRCh38, 1-based): chr7:82,965,838, A>G on the plus strand (T>C on the coding strand, the complement: PCLO is on the minus strand). VCF-style: chr7-82965838-A-G. GRCh37 (hg19) VCF-style: chr7-82595154-A-G.
Other names: c.3950T>C, p.Ile1317Thr (NM_014510.3); c.3950T>C (NM_033026.5); short protein forms I1317T.
Identifiers: ClinVar variation 1435301 (VCV001435301.4), dbSNP rs753519135, ClinGen allele CA4320927.